The following is an entry in ClinVar:

NM_152618.3(BBS12):c.1554del (p.Arg518fs)

Gene: BBS12 (Bardet-Biedl syndrome 12; plus strand). Cytogenetic location: 4q27.
Variant type: Deletion.
Coding change: c.1554del on transcript NM_152618.3 (MANE Select); coding-DNA position 1554, one base deleted (G; older notation c.1554delG).
Protein change: p.Arg518fs; shifts the reading frame from arginine 518.
Molecular consequence: frameshift variant.
Genome position (GRCh38, 1-based): chr4:122,743,446, G deleted; the last of 2 consecutive G bases (chr4:122,743,445-122,743,446); deleting either gives the same sequence. VCF-style (leftmost placement, unchanged base first): chr4-122743444-AG-A. GRCh37 (hg19) VCF-style: chr4-123664599-AG-A.
Other names: c.1554del, p.Arg518fs (NM_001178007.2); short protein forms R518fs.
Identifiers: ClinVar variation 2131605 (VCV002131605.4), dbSNP rs2485077222, ClinGen allele CA2580071475.

ClinVar aggregate classification (germline): Pathogenic (1 of 4 stars; one submission).

Conditions:
Bardet-Biedl syndrome (BBS). Identifiers: Orphanet 110, MedGen C0752166, MONDO:0015229.

Submission:

Labcorp Genetics (formerly Invitae), Labcorp
Classification: Pathogenic for Bardet-Biedl syndrome. Last evaluated: 2022-04-28. Review status: criteria provided, single submitter. Criteria: Invitae Variant Classification Sherloc (09022015). Collection method: clinical testing. Allele origin: germline.
Comment: For these reasons, this variant has been classified as Pathogenic. This variant disrupts a region of the BBS12 protein in which other variant(s) (p.Ser701*) have been determined to be pathogenic (PMID: 20648243). This suggests that this is a clinically significant region of the protein, and that variants that disrupt it are likely to be disease-causing. This variant has not been reported in the literature in individuals affected with BBS12-related conditions. This variant is not present in population databases (gnomAD no frequency). This sequence change creates a premature translational stop signal (p.Arg518Serfs*13) in the BBS12 gene. While this is not anticipated to result in nonsense mediated decay, it is expected to disrupt the last 193 amino acid(s) of the BBS12 protein.

Literature cited by the submitters: PubMed 20648243.